The following is an entry in ClinVar:

ClinVar aggregate classification (germline): Pathogenic. Review status: criteria provided, multiple submitters, no conflicts (2 of 4 stars). 3 submissions from 3 submitters: Pathogenic (3). Last evaluated 2025-05-12.

Conditions:
Cardiomyopathy (CMYO). Also called: Cardiomyopathies. Identifiers: Orphanet 167848, MedGen C0878544, MONDO:0004994, HP:0001638. Inheritance: Various modes of inheritance.
Hypertrophic cardiomyopathy. Also called: HYPERTROPHIC MYOCARDIOPATHY. Identifiers: Orphanet 217569, MedGen C0007194, MeSH D002312, MONDO:0005045, HP:0001639.

Submissions (3):

Labcorp Genetics (formerly Invitae), Labcorp
Classification: Pathogenic for Hypertrophic cardiomyopathy. Last evaluated: 2025-05-12. Review status: criteria provided, single submitter. Criteria: Invitae Variant Classification Sherloc (09022015). Collection method: clinical testing. Allele origin: germline.
Comment: This sequence change affects an acceptor splice site in intron 4 of the MYBPC3 gene. RNA analysis indicates that disruption of this splice site induces altered splicing and may result in an absent or altered protein product. This variant is not present in population databases (gnomAD no frequency). Disruption of this splice site has been observed in individuals with hypertrophic cardiomyopathy (PMID: 25078086, 28193612). ClinVar contains an entry for this variant (Variation ID: 42765). Studies have shown that disruption of this splice site results in activation of a cryptic splice site, and produces a non-functional protein and/or introduces a premature termination codon (PMID: 27834932). For these reasons, this variant has been classified as Pathogenic.

Color Diagnostics, LLC DBA Color Health
Classification: Pathogenic for Cardiomyopathy. Last evaluated: 2019-09-23. Review status: criteria provided, single submitter. Criteria: ACMG Guidelines, 2015. Collection method: clinical testing. Allele origin: germline.
Comment: This variant causes a A>C nucleotide substitution at the -2 position of intron 4 of the MYBPC3 gene. This variant has been reported in two individuals affected with hypertrophic cardiomyopathy (PMID: 25740977, 27834932). This variant has been observed to segregate with disease in a family affected with hypertrophic cardiomyopathy (unpublished data by an external laboratory, Clinvar variation ID 42765). This variant has not been identified in the general population by the Genome Aggregation Database (gnomAD). A functional study using mRNA from the peripheral blood of an affected carrier has shown that this variant disrupts the canonical splice acceptor site and activates an alternative splice site, which results in a frameshift and premature protein truncation due to the loss of the first 7 nucleotides of exon 5 (PMID: 27834932). Loss of MYBPC3 function is a known mechanism of disease. Based on the available evidence, this variant is classified as Pathogenic.

Laboratory for Molecular Medicine, Mass General Brigham Personalized Medicine
Classification: Pathogenic for Hypertrophic cardiomyopathy. Last evaluated: 2013-03-01. Review status: criteria provided, single submitter. Criteria: LMM Criteria. Collection method: clinical testing. Allele origin: germline. Inheritance: Autosomal dominant inheritance. Observed: 4 variant alleles.
Comment: This variant occurs in the invariant reg ion (+/- 1,2) of the splice consensus sequence and is predicted to cause altered splicing leading to an abnormal or absent protein. Splice variants in MYBPC3 ar e established as pathogenic for HCM. In summary, this variant meets our criteria to be classified as pathogenic based upon the p redicted impact to the protein.

Literature cited by the submitters: PubMed 25078086 (cited by Labcorp Genetics (formerly Invitae), Labcorp); PubMed 28193612 (cited by Labcorp Genetics (formerly Invitae), Labcorp); PubMed 27834932 (cited by Labcorp Genetics (formerly Invitae), Labcorp).

NM_000256.3(MYBPC3):c.506-2A>C

Gene: MYBPC3 (myosin binding protein C3; minus strand). Cytogenetic location: 11p11.2.
Variant type: single nucleotide variant.
Coding change: c.506-2A>C on transcript NM_000256.3 (MANE Select); the canonical splice acceptor site of the intron before coding-DNA position 506, A replaced by C.
Molecular consequence: splice acceptor variant.
Genome position (GRCh38, 1-based): chr11:47,349,924, T>G on the plus strand (A>C on the coding strand, the complement: MYBPC3 is on the minus strand). VCF-style: chr11-47349924-T-G. GRCh37 (hg19) VCF-style: chr11-47371475-T-G.
Identifiers: ClinVar variation 42765 (VCV000042765.14), dbSNP rs397516057, ClinGen allele CA015353.
Genomic context (GRCh38, chr11:47,349,924, plus strand): 5'-CACAGGCGGCTTCAGGAGGCTGGCGCCGGCCACGCGGGCTGAGAAGGTGATGCTGCCACC[T>G]GCAAAGGCAGGGGCGACAGGCCCGGCTTGGGGAGTGTCCTGCTGCCCCCCCTTCCCACCC-3'